The following is an entry in ClinVar:

ClinVar aggregate classification (germline): Uncertain significance (1 of 4 stars; one submission).

Conditions:
Costello syndrome (CSTLO). Also called: FACIOCUTANEOSKELETAL SYNDROME; FCS SYNDROME; HRAS-Related Costello Syndrome. Identifiers: Orphanet 3071, MedGen C0587248, MONDO:0009026, OMIM 218040.

Submission:

Labcorp Genetics (formerly Invitae), Labcorp
Classification: Uncertain significance for Costello syndrome. Last evaluated: 2025-12-08. Review status: criteria provided, single submitter. Criteria: Invitae Variant Classification Sherloc (09022015). Collection method: clinical testing. Allele origin: germline.
Comment: This sequence change replaces glutamine, which is neutral and polar, with histidine, which is basic and polar, at codon 95 of the HRAS protein (p.Gln95His). This variant is not present in population databases (gnomAD no frequency). This variant has not been reported in the literature in individuals affected with HRAS-related conditions. ClinVar contains an entry for this variant (Variation ID: 1416167). Invitae Evidence Modeling of protein sequence and biophysical properties (such as structural, functional, and spatial information, amino acid conservation, physicochemical variation, residue mobility, and thermodynamic stability) has been performed for this missense variant. However, the output from this modeling did not meet the statistical confidence thresholds required to predict the impact of this variant on HRAS protein function. In summary, the available evidence is currently insufficient to determine the role of this variant in disease. Therefore, it has been classified as a Variant of Uncertain Significance.

NM_005343.4(HRAS):c.285G>C (p.Gln95His)

Genes: LRRC56 (leucine rich repeat containing 56; plus strand), HRAS (HRas proto-oncogene, GTPase; minus strand). Cytogenetic location: 11p15.5.
Variant type: single nucleotide variant.
Coding change: c.285G>C on transcript NM_005343.4 (MANE Select); coding-DNA position 285, G replaced by C.
Protein change: p.Gln95His; replaces glutamine 95 with histidine.
Molecular consequence: missense variant. On other transcripts: 5 prime UTR variant (1).
Genome position (GRCh38, 1-based): chr11:533,771, C>G on the plus strand (G>C on the coding strand, the complement: HRAS is on the minus strand). VCF-style: chr11-533771-C-G. GRCh37 (hg19) VCF-style: chr11-533771-C-G.
Other names: c.285G>C, p.Gln95His (NM_001130442.3, NM_176795.5); c.-35G>C (NM_001318054.2); short protein forms Q95H.
Identifiers: ClinVar variation 1416167 (VCV001416167.8), dbSNP rs925794740, ClinGen allele CA216882864.